The following is an entry in ClinVar:

ClinVar aggregate classification (germline): Uncertain significance (1 of 4 stars; one submission).

Submission:

Labcorp Genetics (formerly Invitae), Labcorp
Classification: Uncertain significance. Last evaluated: 2022-06-04. Review status: criteria provided, single submitter. Criteria: Invitae Variant Classification Sherloc (09022015). Collection method: clinical testing. Allele origin: germline.
Comment: In summary, the available evidence is currently insufficient to determine the role of this variant in disease. Therefore, it has been classified as a Variant of Uncertain Significance. Algorithms developed to predict the effect of missense changes on protein structure and function are either unavailable or do not agree on the potential impact of this missense change (SIFT: "Not Available"; PolyPhen-2: "Probably Damaging"; Align-GVGD: "Not Available"). This variant has not been reported in the literature in individuals affected with UNC80-related conditions. This variant is not present in population databases (gnomAD no frequency). This sequence change replaces aspartic acid, which is acidic and polar, with valine, which is neutral and non-polar, at codon 838 of the UNC80 protein (p.Asp838Val).

NM_001371986.1(UNC80):c.2513A>T (p.Asp838Val)

Gene: UNC80 (unc-80 subunit of NALCN channel complex; plus strand). Cytogenetic location: 2q34.
Variant type: single nucleotide variant.
Coding change: c.2513A>T on transcript NM_001371986.1 (MANE Select); coding-DNA position 2513, A replaced by T.
Protein change: p.Asp838Val; replaces aspartic acid 838 with valine.
Molecular consequence: missense variant.
Genome position (GRCh38, 1-based): chr2:209,829,266, A>T. VCF-style: chr2-209829266-A-T. GRCh37 (hg19) VCF-style: chr2-210693990-A-T.
Other names: c.2513A>T, p.Asp838Val (NM_032504.2); c.2498A>T, p.Asp833Val (NM_182587.4); short protein forms D838V, D833V.
Identifiers: ClinVar variation 2054364 (VCV002054364.4), dbSNP rs2470982980, ClinGen allele CA350137577.